The following is an entry in ClinVar:

NM_001376.5(DYNC1H1):c.5433+6T>C

Gene: DYNC1H1 (dynein cytoplasmic 1 heavy chain 1; plus strand). Cytogenetic location: 14q32.31.
Variant type: single nucleotide variant.
Coding change: c.5433+6T>C on transcript NM_001376.5 (MANE Select); 6 bases into the intron after coding-DNA position 5433, T replaced by C.
Molecular consequence: intron variant.
Genome position (GRCh38, 1-based): chr14:102,005,242, T>C. VCF-style: chr14-102005242-T-C. GRCh37 (hg19) VCF-style: chr14-102471579-T-C.
Other names: p.?.
Identifiers: ClinVar variation 4683933 (VCV004683933.2).
Genomic context (GRCh38, chr14:102,005,242, plus strand): 5'-AGACTCTGTCCTCATGGAGCAGCCCCCACTCCGAAGGCGGAAGCTAGAACACTTGGTTAG[T>C]CTCACACCTGACTCCTTCCTTACCAGTTAGACTCTTACACCCTCAACCACACAGTTAAAT-3'

ClinVar aggregate classification (germline): Conflicting classifications of pathogenicity. Review status: criteria provided, conflicting classifications (1 of 4 stars). 2 submissions from 2 submitters: Uncertain significance (1); Likely benign (1). Last evaluated 2025-09-17.

Conditions:
Charcot-Marie-Tooth disease axonal type 2O. Also called: CHARCOT-MARIE-TOOTH DISEASE, AXONAL, AUTOSOMAL DOMINANT, TYPE 2O; CHARCOT-MARIE-TOOTH NEUROPATHY, AXONAL, TYPE 2O; Charcot-Marie-Tooth Neuropathy Type 2O; Charcot-Marie-Tooth disease, axonal, type 20. Identifiers: Orphanet 284232, MedGen C3280220, MONDO:0013644, OMIM 614228.

gnomAD v4.1: 1 of 1,614,018 alleles (0.000062%); highest among the groups gnomAD compares: Non-Finnish European, 0.000085%; no homozygotes.

Submissions (2):

Labcorp Genetics (formerly Invitae), Labcorp
Classification: Uncertain significance for Charcot-Marie-Tooth disease axonal type 2O. Last evaluated: 2025-09-17. Review status: criteria provided, single submitter. Criteria: Invitae Variant Classification Sherloc (09022015). Collection method: clinical testing. Allele origin: germline.
Comment: This sequence change falls in intron 26 of the DYNC1H1 gene. It does not directly change the encoded amino acid sequence of the DYNC1H1 protein. It affects a nucleotide within the consensus splice site. This variant is not present in population databases (gnomAD no frequency). This variant has not been reported in the literature in individuals affected with DYNC1H1-related conditions. Variants that disrupt the consensus splice site are a relatively common cause of aberrant splicing (PMID: 17576681, 9536098). Algorithms developed to predict the effect of sequence changes on RNA splicing suggest that this variant is not likely to affect RNA splicing. In summary, the available evidence is currently insufficient to determine the role of this variant in disease. Therefore, it has been classified as a Variant of Uncertain Significance.

Mayo Clinic Laboratories, Mayo Clinic
Classification: Likely benign. Last evaluated: 2025-06-09. Review status: criteria provided, single submitter. Criteria: ACMG Guidelines, 2015. Collection method: clinical testing. Allele origin: germline. Observed: 1 variant allele.
Comment: BP4, BP7

Literature cited by the submitters: PubMed 17576681 (cited by Labcorp Genetics (formerly Invitae), Labcorp); PubMed 9536098 (cited by Labcorp Genetics (formerly Invitae), Labcorp).